The following is an entry in ClinVar:

NM_004415.4(DSP):c.1061T>G (p.Leu354Arg)

Gene: DSP (desmoplakin; plus strand). Cytogenetic location: 6p24.3.
Variant type: single nucleotide variant.
Coding change: c.1061T>G on transcript NM_004415.4 (MANE Select); coding-DNA position 1061, T replaced by G.
Protein change: p.Leu354Arg; replaces leucine 354 with arginine.
Molecular consequence: missense variant.
Genome position (GRCh38, 1-based): chr6:7,567,370, T>G. VCF-style: chr6-7567370-T-G. GRCh37 (hg19) VCF-style: chr6-7567603-T-G.
Other names: c.1061T>G, p.Leu354Arg (NM_001008844.3, NM_001319034.2, NM_001406591.1); short protein forms L354R.
Identifiers: ClinVar variation 2951857 (VCV002951857.3), dbSNP rs2533879655, ClinGen allele CA362675505.

ClinVar aggregate classification (germline): Uncertain significance (1 of 4 stars; one submission).

Conditions:
Arrhythmogenic cardiomyopathy with wooly hair and keratoderma. Also called: PALMOPLANTAR KERATODERMA WITH LEFT VENTRICULAR CARDIOMYOPATHY AND WOOLLY HAIR; Carvajal syndrome; Dilated cardiomyopathy with woolly hair and keratoderma; Arrhythmogenic cardiomyopathy with woolly hair and keratoderma. Identifiers: Orphanet 65282, MedGen C1854063, MONDO:0011581, OMIM 605676.
Arrhythmogenic right ventricular dysplasia 8 (ARVD8). Also called: Arrhythmogenic Right Ventricular Dysplasia/Cardiomyopathy 8; ARRHYTHMOGENIC RIGHT VENTRICULAR DYSPLASIA, FAMILIAL, 8; ARRHYTHMOGENIC RIGHT VENTRICULAR CARDIOMYOPATHY 8. Identifiers: MedGen C1843896, MONDO:0011831, OMIM 607450.

Submission:

Labcorp Genetics (formerly Invitae), Labcorp
Classification: Uncertain significance for Arrhythmogenic cardiomyopathy with wooly hair and keratoderma; Arrhythmogenic right ventricular dysplasia 8. Last evaluated: 2023-09-13. Review status: criteria provided, single submitter. Criteria: Invitae Variant Classification Sherloc (09022015). Collection method: clinical testing. Allele origin: germline.
Comment: This sequence change replaces leucine, which is neutral and non-polar, with arginine, which is basic and polar, at codon 354 of the DSP protein (p.Leu354Arg). This variant is not present in population databases (gnomAD no frequency). This variant has not been reported in the literature in individuals affected with DSP-related conditions. An algorithm developed to predict the effect of missense changes on protein structure and function (PolyPhen-2) suggests that this variant is likely to be disruptive. In summary, the available evidence is currently insufficient to determine the role of this variant in disease. Therefore, it has been classified as a Variant of Uncertain Significance.